The following is an entry in ClinVar:

ClinVar aggregate classification (germline): Uncertain significance. Review status: criteria provided, multiple submitters, no conflicts (2 of 4 stars). 5 submissions from 5 submitters: Uncertain significance (5). Last evaluated 2025-08-09.

Conditions:
Fanconi anemia (FA). Also called: Fanconi's anemia. Identifiers: Orphanet 84, MedGen C0015625, MeSH D005199, MONDO:0019391.
Spermatogenic failure 28. Identifiers: MedGen C4748117, MONDO:0054732, OMIM 618086.
Premature ovarian failure 15. Identifiers: MedGen C4748170, MONDO:0054862, OMIM 618096.
Hereditary cancer-predisposing syndrome. Also called: Hereditary neoplastic syndrome; Neoplastic Syndromes, Hereditary; Tumor predisposition; Hereditary Cancer Syndrome. Identifiers: Orphanet 140162, MedGen C0027672, MeSH D009386, MONDO:0015356.

Allele frequency attached by ClinVar (database versions not stated): TOPMed below 0.00001; gnomAD 0.00001; gnomAD exomes 0.00001; ExAC 0.00002.
gnomAD v4.1: 17 of 1,613,016 alleles (0.0011%); highest among the groups gnomAD compares: South Asian, 0.0055%; no homozygotes.

Submissions (5):

Labcorp Genetics (formerly Invitae), Labcorp
Classification: Uncertain significance for Fanconi anemia. Last evaluated: 2025-08-09. Review status: criteria provided, single submitter. Criteria: Invitae Variant Classification Sherloc (09022015). Collection method: clinical testing. Allele origin: germline.
Comment: This sequence change replaces threonine, which is neutral and polar, with methionine, which is neutral and non-polar, at codon 539 of the FANCM protein (p.Thr539Met). This variant is present in population databases (rs758046969, gnomAD 0.004%). This variant has not been reported in the literature in individuals affected with FANCM-related conditions. ClinVar contains an entry for this variant (Variation ID: 837150). An algorithm developed to predict the effect of missense changes on protein structure and function (PolyPhen-2) suggests that this variant is likely to be disruptive. In summary, the available evidence is currently insufficient to determine the role of this variant in disease. Therefore, it has been classified as a Variant of Uncertain Significance.

Quest Diagnostics Nichols Institute San Juan Capistrano
Classification: Uncertain significance. Last evaluated: 2025-07-16. Review status: criteria provided, single submitter. Criteria: Quest Diagnostics criteria. Collection method: clinical testing. Allele origin: unknown.
Comment: The FANCM c.1616C>T (p.Thr539Met) variant has been observed in reportedly unaffected individuals in breast cancer case-control studies (PMID: 36707629 (2023), 35884425 (2022)). The frequency of this variant in the general population (Genome Aggregation Database) is uninformative in the assessment of its pathogenicity. Analysis of this variant using bioinformatics tools for the prediction of the effect of amino acid changes on protein structure and function yielded predictions that this variant is damaging. Based on the available information, we are unable to determine the clinical significance of this variant.

GeneDx
Classification: Uncertain significance. Last evaluated: 2024-12-05. Review status: criteria provided, single submitter. Criteria: GeneDx Variant Classification Process June 2021. Collection method: clinical testing. Allele origin: germline. Affected: yes.
Comment: Not observed at significant frequency in large population cohorts (gnomAD); In silico analysis supports that this missense variant has a deleterious effect on protein structure/function; Has not been previously published as pathogenic or benign to our knowledge

Fulgent Genetics
Classification: Uncertain significance for Spermatogenic failure 28; Premature ovarian failure 15. Last evaluated: 2024-04-18. Review status: criteria provided, single submitter. Criteria: ACMG Guidelines, 2015. Collection method: clinical testing. Allele origin: germline.

Sema4
Classification: Uncertain significance for Hereditary cancer-predisposing syndrome. Last evaluated: 2021-09-16. Review status: criteria provided, single submitter. Criteria: Sema4 Curation Guidelines. Collection method: curation. Allele origin: germline.
Comment: The FANCM c.1616C>T (p.T539M) variant has not been reported in the literature to our knowledge. It was observed in 1/21648 chromosomes of the Finnish subpopulation in the large and broad cohorts of the Genome Aggregation Database (PMID: 32461654). The variant has been reported in ClinVar (Variation ID 837150). Functional studies have not been performed, and in silico predictions of the variant's effect on protein function are inconclusive. The evidence is insufficient to meet ACMG/AMP criteria for classifying the variant as benign or pathogenic. Thus, the clinical significance of this variant is currently uncertain.

Literature cited by the submitters: PubMed 36707629 (cited by Quest Diagnostics Nichols Institute San Juan Capistrano); PubMed 35884425 (cited by Quest Diagnostics Nichols Institute San Juan Capistrano).

NM_020937.4(FANCM):c.1616C>T (p.Thr539Met)

Gene: FANCM (FA complementation group M; plus strand). Cytogenetic location: 14q21.2.
Variant type: single nucleotide variant.
Coding change: c.1616C>T on transcript NM_020937.4 (MANE Select); coding-DNA position 1616, C replaced by T.
Protein change: p.Thr539Met; replaces threonine 539 with methionine.
Molecular consequence: missense variant.
Genome position (GRCh38, 1-based): chr14:45,164,393, C>T. VCF-style: chr14-45164393-C-T. GRCh37 (hg19) VCF-style: chr14-45633596-C-T.
Other names: c.1538C>T, p.Thr513Met (NM_001308133.2); c.1616C>T, p.Thr539Met (NM_001308134.2); c.1616C>T (NM_020937.3); short protein forms T539M, T513M.
Identifiers: ClinVar variation 837150 (VCV000837150.16), dbSNP rs758046969, ClinGen allele CA7169116.
Genomic context (GRCh38, chr14:45,164,393, plus strand): 5'-TTATTTTTCAATTGTTTTTATTTTAGGTAGTGAAACAGTTTCGTGACGGTGGTTACAACA[C>T]GCTGGTTTCTACCTGTGTGGGTGAAGAAGGTTTGGATATAGGAGAAGTTGATCTTATAAT-3'
Protein context (NP_065988.1, residues 529-549): VKQFRDGGYN[Thr539Met]LVSTCVGEEG